The following is an entry in ClinVar:

ClinVar aggregate classification (germline): Uncertain significance (1 of 4 stars; one submission).

Conditions:
Early-infantile DEE. Also called: Early infantile epileptic encephalopathy; Ohtahara syndrome; Early infantile epileptic encephalopathy with suppression bursts. Identifiers: Orphanet 1934, MedGen C0393706, MONDO:0800491.

Submission:

Labcorp Genetics (formerly Invitae), Labcorp
Classification: Uncertain significance for Early-infantile DEE. Last evaluated: 2024-07-15. Review status: criteria provided, single submitter. Criteria: Invitae Variant Classification Sherloc (09022015). Collection method: clinical testing. Allele origin: germline.
Comment: This variant, c.201_218dup, results in the insertion of 6 amino acid(s) of the HCN1 protein (p.Gly69_Gly74dup), but otherwise preserves the integrity of the reading frame. This variant is not present in population databases (gnomAD no frequency). This variant has not been reported in the literature in individuals affected with HCN1-related conditions. ClinVar contains an entry for this variant (Variation ID: 941766). Experimental studies and prediction algorithms are not available or were not evaluated, and the functional significance of this variant is currently unknown. In summary, the available evidence is currently insufficient to determine the role of this variant in disease. Therefore, it has been classified as a Variant of Uncertain Significance.

NM_021072.4(HCN1):c.201_218dup (p.Gly69_Gly74dup)

Gene: HCN1 (hyperpolarization activated cyclic nucleotide gated potassium channel 1; minus strand). Cytogenetic location: 5p12.
Variant type: Duplication.
Coding change: c.201_218dup on transcript NM_021072.4 (MANE Select); coding-DNA positions 201 to 218, 18 bases duplicated (TGGCGGCGGCGGCGGCGG).
Protein change: p.Gly69_Gly74dup.
Molecular consequence: inframe insertion.
Genome position (GRCh38, 1-based): chr5:45,695,876-45,695,893, CCGCCGCCGCCGCCGCCA duplicated on the plus strand (TGGCGGCGGCGGCGGCGG on the coding strand, the reverse complement: HCN1 is on the minus strand); duplicating any 18 consecutive bases within chr5:45,695,876-45,695,901 gives the same sequence; the c. name uses the placement nearest the transcript's 3' end. VCF-style (leftmost placement, unchanged base first): chr5-45695875-G-GCCGCCGCCGCCGCCGCCA. GRCh37 (hg19) VCF-style: chr5-45695977-G-GCCGCCGCCGCCGCCGCCA.
Identifiers: ClinVar variation 941766 (VCV000941766.10), dbSNP rs774065762, ClinGen allele CA1139658828.
Genomic context (GRCh38, chr5:45,695,875, plus strand): 5'-GAAGCCGTACTGCCGCCGGGGCCCCTCGGCGTCTTCGAAGCCCCCCGCCGGCTCCTCGCC[G>GCCGCCGCCGCCGCCGCCA]CCGCCGCCGCCGCCGCCACCGCCGCCACCGCCGTCCACCTTGAAGCACACGGAGTTGCCG-3'